The following is an entry in ClinVar:

NM_001846.4(COL4A2):c.2353G>A (p.Gly785Arg)

Gene: COL4A2 (collagen type IV alpha 2 chain; plus strand). Cytogenetic location: 13q34.
Variant type: single nucleotide variant.
Coding change: c.2353G>A on transcript NM_001846.4 (MANE Select); coding-DNA position 2353, G replaced by A.
Protein change: p.Gly785Arg; replaces glycine 785 with arginine.
Molecular consequence: missense variant.
Genome position (GRCh38, 1-based): chr13:110,473,078, G>A. VCF-style: chr13-110473078-G-A. GRCh37 (hg19) VCF-style: chr13-111125425-G-A.
Other names: short protein forms G785R.
Identifiers: ClinVar variation 1201258 (VCV001201258.8), dbSNP rs1882542959, ClinGen allele CA388742504.
Genomic context (GRCh38, chr13:110,473,078, plus strand): 5'-GGGCCCCCTGGGGAAAGGGGCCTCCCTGGAGAAGTCCTGGGAGCTCAGCCCGGGCCACGG[G>A]GAGATGCTGGTGTGCCTGGACAGCCTGGGCTTAAAGGCCTTCCCGGAGACAGAGGCCCCC-3'
Protein context (NP_001837.2, residues 775-795): EVLGAQPGPR[Gly785Arg]DAGVPGQPGL

ClinVar aggregate classification (germline): Conflicting classifications of pathogenicity. Review status: criteria provided, conflicting classifications (1 of 4 stars). 2 submissions from 2 submitters: Likely pathogenic (1); Uncertain significance (1). Last evaluated 2026-10-20.

Submissions (2):

GeneDx
Classification: Likely pathogenic. Last evaluated: 2026-10-20. Review status: criteria provided, single submitter. Criteria: GeneDx Variant Classification Process June 2021. Collection method: clinical testing. Allele origin: germline.
Comment: Affects a glycine residue in a Gly-X-Y motif in the triple helical region of the COL4A2 gene, where the majority of pathogenic missense variants occur, and is predicted to disrupt normal protein folding and function (22522439, 23225343; HGMD); Not observed at significant frequency in large population cohorts (gnomAD); In silico analysis supports that this missense variant has a deleterious effect on protein structure/function; Has not been previously published as pathogenic or benign to our knowledge; This variant is associated with the following publications: (PMID: 23225343, 22522439)

Labcorp Genetics (formerly Invitae), Labcorp
Classification: Uncertain significance. Last evaluated: 2025-08-14. Review status: criteria provided, single submitter. Criteria: Invitae Variant Classification Sherloc (09022015). Collection method: clinical testing. Allele origin: germline.
Comment: This sequence change replaces glycine, which is neutral and non-polar, with arginine, which is basic and polar, at codon 785 of the COL4A2 protein (p.Gly785Arg). This variant is not present in population databases (gnomAD no frequency). This variant has not been reported in the literature in individuals affected with COL4A2-related conditions. ClinVar contains an entry for this variant (Variation ID: 1201258). Invitae Evidence Modeling of protein sequence and biophysical properties (such as structural, functional, and spatial information, amino acid conservation, physicochemical variation, residue mobility, and thermodynamic stability) has been performed for this missense variant. However, the output from this modeling did not meet the statistical confidence thresholds required to predict the impact of this variant on COL4A2 protein function. In summary, the available evidence is currently insufficient to determine the role of this variant in disease. Therefore, it has been classified as a Variant of Uncertain Significance.